The following is an entry in ClinVar:

NM_000122.2(ERCC3):c.1841C>T (p.Ser614Leu)

Gene: ERCC3 (ERCC excision repair 3, TFIIH core complex helicase subunit; minus strand). Cytogenetic location: 2q14.3.
Variant type: single nucleotide variant.
Coding change: c.1841C>T on transcript NM_000122.2 (MANE Select); coding-DNA position 1841, C replaced by T.
Protein change: p.Ser614Leu; replaces serine 614 with leucine.
Molecular consequence: missense variant.
Genome position (GRCh38, 1-based): chr2:127,271,440, G>A on the plus strand (C>T on the coding strand, the complement: ERCC3 is on the minus strand). VCF-style: chr2-127271440-G-A. GRCh37 (hg19) VCF-style: chr2-128029016-G-A.
Other names: c.1649C>T, p.Ser550Leu (NM_001303416.2, NM_001303418.2); short protein forms S614L, S550L.
Identifiers: ClinVar variation 1933682 (VCV001933682.5), dbSNP rs139049289, ClinGen allele CA1858157.

ClinVar aggregate classification (germline): Uncertain significance (1 of 4 stars; one submission).

Allele frequency attached by ClinVar (database versions not stated): ExAC 0.00001; gnomAD 0.00001; ESP Exome Variant Server 0.00008.
gnomAD v4.1: 9 of 1,613,244 alleles (0.00056%); highest among the groups gnomAD compares: African/African-American, 0.0027%; no homozygotes.

Submission:

Labcorp Genetics (formerly Invitae), Labcorp
Classification: Uncertain significance. Last evaluated: 2022-04-15. Review status: criteria provided, single submitter. Criteria: Invitae Variant Classification Sherloc (09022015). Collection method: clinical testing. Allele origin: germline.
Comment: This sequence change replaces serine, which is neutral and polar, with leucine, which is neutral and non-polar, at codon 614 of the ERCC3 protein (p.Ser614Leu). In summary, the available evidence is currently insufficient to determine the role of this variant in disease. Therefore, it has been classified as a Variant of Uncertain Significance. Algorithms developed to predict the effect of missense changes on protein structure and function are either unavailable or do not agree on the potential impact of this missense change (SIFT: "Deleterious"; PolyPhen-2: "Possibly Damaging"; Align-GVGD: "Class C0"). This variant has not been reported in the literature in individuals affected with ERCC3-related conditions. The frequency data for this variant in the population databases is considered unreliable, as metrics indicate poor data quality at this position in the gnomAD database.